The following is an entry in ClinVar:

NM_003590.5(CUL3):c.2261T>G (p.Leu754Trp)

Gene: CUL3 (cullin 3; minus strand). Cytogenetic location: 2q36.2.
Variant type: single nucleotide variant.
Coding change: c.2261T>G on transcript NM_003590.5 (MANE Select); coding-DNA position 2261, T replaced by G.
Protein change: p.Leu754Trp; replaces leucine 754 with tryptophan.
Molecular consequence: missense variant.
Genome position (GRCh38, 1-based): chr2:224,474,291, A>C on the plus strand (T>G on the coding strand, the complement: CUL3 is on the minus strand). VCF-style: chr2-224474291-A-C. GRCh37 (hg19) VCF-style: chr2-225339008-A-C.
Other names: c.2063T>G, p.Leu688Trp (NM_001257197.2); c.2279T>G, p.Leu760Trp (NM_001257198.2); short protein forms L688W, L754W, L760W.
Identifiers: ClinVar variation 3370539 (VCV003370539.1).

ClinVar aggregate classification (germline): Uncertain significance (1 of 4 stars; one submission).

Submission:

GeneDx
Classification: Uncertain significance. Last evaluated: 2024-03-06. Review status: criteria provided, single submitter. Criteria: GeneDx Variant Classification Process June 2021. Collection method: clinical testing. Allele origin: germline. Affected: yes.
Comment: Not observed at significant frequency in large population cohorts (gnomAD); In silico analysis supports that this missense variant has a deleterious effect on protein structure/function; Has not been previously published as pathogenic or benign to our knowledge